The following is an entry in ClinVar:

ClinVar aggregate classification (germline): Likely pathogenic (1 of 4 stars; one submission).

Conditions:
Nemaline myopathy 2 (NEM2). Also called: Nemaline myopathy 2, autosomal recessive. Identifiers: MedGen C1850569, MONDO:0009725, OMIM 256030.

Submission:

Labcorp Genetics (formerly Invitae), Labcorp
Classification: Likely pathogenic for Nemaline myopathy 2. Last evaluated: 2023-12-14. Review status: criteria provided, single submitter. Criteria: Invitae Variant Classification Sherloc (09022015). Collection method: clinical testing. Allele origin: germline.
Comment: This sequence change affects a donor splice site in intron 131 of the NEB gene. It is expected to disrupt RNA splicing. Variants that disrupt the donor or acceptor splice site typically lead to a loss of protein function (PMID: 16199547), and loss-of-function variants in NEB are known to be pathogenic (PMID: 25205138). This variant is not present in population databases (gnomAD no frequency). This variant has not been reported in the literature in individuals affected with NEB-related conditions. Algorithms developed to predict the effect of sequence changes on RNA splicing suggest that this variant may disrupt the consensus splice site. In summary, the currently available evidence indicates that the variant is pathogenic, but additional data are needed to prove that conclusively. Therefore, this variant has been classified as Likely Pathogenic.

Literature cited by the submitters: PubMed 16199547; PubMed 25205138.

NM_001164508.2(NEB):c.20157+1G>A

Gene: NEB (nebulin; minus strand). Cytogenetic location: 2q23.3.
Variant type: single nucleotide variant.
Coding change: c.20157+1G>A on transcript NM_001164508.2 (MANE Select); the canonical splice donor site of the intron after coding-DNA position 20157, G replaced by A.
Molecular consequence: splice donor variant.
Genome position (GRCh38, 1-based): chr2:151,548,307, C>T on the plus strand (G>A on the coding strand, the complement: NEB is on the minus strand). VCF-style: chr2-151548307-C-T. GRCh37 (hg19) VCF-style: chr2-152404821-C-T.
Other names: c.15054+1G>A (NM_004543.5); c.20157+1G>A (NM_001164507.2, NM_001271208.2).
Identifiers: ClinVar variation 2703286 (VCV002703286.3), dbSNP rs2552180807, ClinGen allele CA348784243.